The following is an entry in ClinVar:

ClinVar aggregate classification (germline): Pathogenic (1 of 4 stars; one submission).

Submission:

GeneDx
Classification: Pathogenic. Last evaluated: 2017-08-24. Review status: criteria provided, single submitter. Criteria: GeneDx Variant Classification (06012015). Collection method: clinical testing. Allele origin: germline. Affected: yes.
Comment: The c.1810delG variant in the AHDC1 gene has not been reported previously as a pathogenic variant nor as a benign variant, to our knowledge. The c.1810delG variant causes a frameshift starting with codon Aspartic Acid 604, changes this amino acid to a Threonine residue, and creates a premature Stop codon at position 19 of the new reading frame, denoted p.Asp604ThrfsX19. This variant is predicted to cause loss of normal protein function either through protein truncation or nonsense-mediated mRNA decay. The c.1810delG variant is not observed in large population cohorts (Lek et al., 2016; 1000 Genomes Consortium et al., 2015; Exome Variant Server). We interpret c.1810delG as a pathogenic variant.

NM_001371928.1(AHDC1):c.1810del (p.Asp604fs)

Gene: AHDC1 (AT-hook DNA binding motif containing 1; minus strand). Cytogenetic location: 1p36.11.
Variant type: Deletion.
Coding change: c.1810del on transcript NM_001371928.1 (MANE Select); coding-DNA position 1810, one base deleted (G; older notation c.1810delG).
Protein change: p.Asp604fs; shifts the reading frame from aspartic acid 604.
Molecular consequence: frameshift variant.
Genome position (GRCh38, 1-based): chr1:27,550,306, C deleted on the plus strand (G on the coding strand, the reverse complement: AHDC1 is on the minus strand). VCF-style (leftmost placement, unchanged base first): chr1-27550305-TC-T. GRCh37 (hg19) VCF-style: chr1-27876816-TC-T.
Other names: c.1810del, p.Asp604fs (NM_001029882.3); short protein forms D604fs.
Identifiers: ClinVar variation 451608 (VCV000451608.2), dbSNP rs1553159284, ClinGen allele CA658656898.
Genomic context (GRCh38, chr1:27,550,305, plus strand): 5'-CGGTTCAGGAAGGCCAGCTTGGCCAGGACGTCTGAGTACTCGGCCTTGCTGTCGTTGGCG[TC>T]TGCTGCATAGGATGGCTGGGGAGATGCCAGCTTCTGCTTCCGCCGCCGTCGTTTTTTTAC-3'